The following is an entry in ClinVar:

NM_003200.5(TCF3):c.228C>T (p.Ser76=)

Gene: TCF3 (transcription factor 3; minus strand). Cytogenetic location: 19p13.3.
Variant type: single nucleotide variant.
Coding change: c.228C>T on transcript NM_003200.5 (MANE Select); coding-DNA position 228, C replaced by T.
Protein change: p.Ser76=; no amino-acid change (serine 76 retained).
Molecular consequence: synonymous variant.
Genome position (GRCh38, 1-based): chr19:1,632,108, G>A on the plus strand (C>T on the coding strand, the complement: TCF3 is on the minus strand). VCF-style: chr19-1632108-G-A. GRCh37 (hg19) VCF-style: chr19-1632107-G-A.
Other names: c.228C>T, p.Ser76= (NM_001136139.4, NM_001351778.2, NM_001351779.2); c.228C>T (NM_003200.3).
Identifiers: ClinVar variation 1640173 (VCV001640173.10), dbSNP rs371002999, ClinGen allele CA9050525.

ClinVar aggregate classification (germline): Likely benign. Review status: criteria provided, single submitter (1 of 4 stars). 2 submissions from 2 submitters: Likely benign (1). 1 of the submissions does not count toward it. Last evaluated 2025-10-27.

Conditions:
TCF3-related disorder. Also called: TCF3-related condition.

Allele frequency attached by ClinVar (database versions not stated): gnomAD 0.00001 and 0.00003; gnomAD exomes 0.00001; ExAC 0.00003; ESP Exome Variant Server 0.00008; TOPMed 0.00010; 1000 Genomes Project 30x 0.00031; 1000 Genomes Project 0.00040.
gnomAD v4.1: 15 of 1,613,022 alleles (0.00093%); highest among the groups gnomAD compares: Admixed American, 0.013%; no homozygotes.

Submissions (2):

Labcorp Genetics (formerly Invitae), Labcorp
Classification: Likely benign. Last evaluated: 2025-10-27. Review status: criteria provided, single submitter. Criteria: Invitae Variant Classification Sherloc (09022015). Collection method: clinical testing. Allele origin: germline.

PreventionGenetics, part of Exact Sciences
Classification: Likely benign for TCF3-related condition. Last evaluated: 2021-05-06. Review status: no assertion criteria provided. Collection method: clinical testing. Allele origin: germline. Not counted in ClinVar's aggregate classification.
Comment: This variant is classified as likely benign based on ACMG/AMP sequence variant interpretation guidelines (Richards et al. 2015 PMID: 25741868, with internal and published modifications).